The following is an entry in ClinVar:

NM_001378615.1(CC2D2A):c.1607+6C>A

Genes: CC2D2A (coiled-coil and C2 domain containing 2A; plus strand), FBXL5 (F-box and leucine rich repeat protein 5; minus strand). Cytogenetic location: 4p15.32.
Variant type: single nucleotide variant.
Coding change: c.1607+6C>A on transcript NM_001378615.1 (MANE Select); 6 bases into the intron after coding-DNA position 1607, C replaced by A.
Molecular consequence: intron variant.
Genome position (GRCh38, 1-based): chr4:15,533,339, C>A. VCF-style: chr4-15533339-C-A. GRCh37 (hg19) VCF-style: chr4-15534962-C-A.
Other names: c.1607+6C>A (NM_001080522.2); c.1460+6C>A (NM_001378617.1).
Identifiers: ClinVar variation 1507094 (VCV001507094.6), dbSNP rs2109029936, ClinGen allele CA2573137610.

ClinVar aggregate classification (germline): Uncertain significance (1 of 4 stars; one submission).

Conditions:
Joubert syndrome. Also called: JOUBERT-BOLTSHAUSER SYNDROME; Familial aplasia of the vermis. Identifiers: Orphanet 475, MedGen C5979921, MONDO:0018772.
Meckel-Gruber syndrome. Also called: DYSENCEPHALIA SPLANCHNOCYSTICA; GRUBER SYNDROME; Dysencephalia splachnocystica. Identifiers: Orphanet 564, MedGen C0265215, MONDO:0018921.

gnomAD v4.1: 2 of 1,523,846 alleles (0.00013%); highest among the groups gnomAD compares: Non-Finnish European, 0.00018%; no homozygotes.

Submission:

Labcorp Genetics (formerly Invitae), Labcorp
Classification: Uncertain significance for Joubert syndrome; Meckel-Gruber syndrome. Last evaluated: 2024-11-05. Review status: criteria provided, single submitter. Criteria: Invitae Variant Classification Sherloc (09022015). Collection method: clinical testing. Allele origin: germline.
Comment: This sequence change falls in intron 15 of the CC2D2A gene. It does not directly change the encoded amino acid sequence of the CC2D2A protein. It affects a nucleotide within the consensus splice site. This variant is not present in population databases (gnomAD no frequency). This variant has not been reported in the literature in individuals affected with CC2D2A-related conditions. ClinVar contains an entry for this variant (Variation ID: 1507094). Variants that disrupt the consensus splice site are a relatively common cause of aberrant splicing (PMID: 17576681, 9536098). Algorithms developed to predict the effect of sequence changes on RNA splicing suggest that this variant is not likely to affect RNA splicing. In summary, the available evidence is currently insufficient to determine the role of this variant in disease. Therefore, it has been classified as a Variant of Uncertain Significance.

Literature cited by the submitters: PubMed 17576681; PubMed 9536098.